The following is an entry in ClinVar:

NM_015330.6(SPECC1L):c.27C>T (p.Gly9=)

Genes: SPECC1L (sperm antigen with calponin homology and coiled-coil domains 1 like; plus strand), SPECC1L-ADORA2A (SPECC1L-ADORA2A readthrough (NMD candidate); plus strand). Cytogenetic location: 22q11.23.
Variant type: single nucleotide variant.
Coding change: c.27C>T on transcript NM_015330.6 (MANE Select); coding-DNA position 27, C replaced by T.
Protein change: p.Gly9=; no amino-acid change (glycine 9 retained).
Molecular consequence: synonymous variant. On other transcripts: non-coding transcript variant (1).
Genome position (GRCh38, 1-based): chr22:24,302,258, C>T. VCF-style: chr22-24302258-C-T. GRCh37 (hg19) VCF-style: chr22-24698226-C-T.
Other names: c.27C>T, p.Gly9= (NM_001145468.4, NM_001254732.3).
Identifiers: ClinVar variation 4753912 (VCV004753912.2).

ClinVar aggregate classification (germline): Likely benign. Review status: criteria provided, multiple submitters, no conflicts (2 of 4 stars). 2 submissions from 2 submitters: Likely benign (2). Last evaluated 2026-05-18.

gnomAD v4.1: 10 of 1,613,940 alleles (0.00062%); highest among the groups gnomAD compares: Non-Finnish European, 0.00085%; no homozygotes.

Submissions (2):

Women's Health and Genetics/Laboratory Corporation of America, LabCorp
Classification: Likely benign. Last evaluated: 2026-05-18. Review status: criteria provided, single submitter. Criteria: LabCorp Variant Classification Summary - May 2015. Collection method: clinical testing. Allele origin: germline.
Comment: Variant summary: SPECC1L c.27C>T results in a synonymous change. Consensus agreement among computation tools predict no significant impact on normal splicing. However, these predictions have yet to be confirmed by functional studies. The variant allele was found at a frequency of 8e-06 in 251422 control chromosomes. The available data on variant occurrences in the general population are insufficient to allow any conclusion about variant significance. To our knowledge, no occurrence of c.27C>T in individuals affected with SPECC1L-related conditions and no experimental evidence demonstrating its impact on protein function have been reported. ClinVar contains an entry for this variant (Variation ID: 4753912). Based on the evidence outlined above, the variant was classified as likely benign.

Labcorp Genetics (formerly Invitae), Labcorp
Classification: Likely benign. Last evaluated: 2025-10-06. Review status: criteria provided, single submitter. Criteria: Invitae Variant Classification Sherloc (09022015). Collection method: clinical testing. Allele origin: germline.